The following is an entry in ClinVar:

NM_138694.4(PKHD1):c.1119-10T>C

Gene: PKHD1 (PKHD1 ciliary IPT domain containing fibrocystin/polyductin; minus strand). Cytogenetic location: 6p12.2.
Variant type: single nucleotide variant.
Coding change: c.1119-10T>C on transcript NM_138694.4 (MANE Select); 10 bases into the intron before coding-DNA position 1119, T replaced by C.
Molecular consequence: intron variant.
Genome position (GRCh38, 1-based): chr6:52,060,052, A>G on the plus strand (T>C on the coding strand, the complement: PKHD1 is on the minus strand). VCF-style: chr6-52060052-A-G. GRCh37 (hg19) VCF-style: chr6-51924850-A-G.
Other names: c.1119-10T>C (NM_170724.3).
Identifiers: ClinVar variation 3672953 (VCV003672953.2).

ClinVar aggregate classification (germline): Uncertain significance (1 of 4 stars; one submission).

Conditions:
Autosomal recessive polycystic kidney disease (ARPKD). Also called: AR polycystic kidney disease. Identifiers: Orphanet 731, Orphanet 8378, MedGen C0085548, MeSH D017044, MONDO:0009889.

gnomAD v4.1: 2 of 1,482,808 alleles (0.00013%); highest among the groups gnomAD compares: Non-Finnish European, 0.00019%; no homozygotes.

Submission:

Labcorp Genetics (formerly Invitae), Labcorp
Classification: Uncertain significance for Autosomal recessive polycystic kidney disease. Last evaluated: 2024-02-26. Review status: criteria provided, single submitter. Criteria: Invitae Variant Classification Sherloc (09022015). Collection method: clinical testing. Allele origin: germline.
Comment: This sequence change falls in intron 14 of the PKHD1 gene. It does not directly change the encoded amino acid sequence of the PKHD1 protein. This variant is not present in population databases (gnomAD no frequency). This variant has not been reported in the literature in individuals affected with PKHD1-related conditions. Algorithms developed to predict the effect of sequence changes on RNA splicing suggest that this variant may disrupt the consensus splice site. In summary, the available evidence is currently insufficient to determine the role of this variant in disease. Therefore, it has been classified as a Variant of Uncertain Significance.